The following is an entry in ClinVar:

NM_000836.4(GRIN2D):c.2942G>C (p.Arg981Pro)

Gene: GRIN2D (glutamate ionotropic receptor NMDA type subunit 2D; plus strand). Cytogenetic location: 19q13.33.
Variant type: single nucleotide variant.
Coding change: c.2942G>C on transcript NM_000836.4 (MANE Select); coding-DNA position 2942, G replaced by C.
Protein change: p.Arg981Pro; replaces arginine 981 with proline.
Molecular consequence: missense variant.
Genome position (GRCh38, 1-based): chr19:48,442,868, G>C. VCF-style: chr19-48442868-G-C. GRCh37 (hg19) VCF-style: chr19-48946125-G-C.
Other names: short protein forms R981P.
Identifiers: ClinVar variation 3620933 (VCV003620933.2).

ClinVar aggregate classification (germline): Uncertain significance (1 of 4 stars; one submission).

gnomAD v4.1: 1 of 1,082,652 alleles (0.000092%); highest among the groups gnomAD compares: Non-Finnish European, 0.00011%; no homozygotes.

Submission:

Labcorp Genetics (formerly Invitae), Labcorp
Classification: Uncertain significance. Last evaluated: 2024-07-06. Review status: criteria provided, single submitter. Criteria: Invitae Variant Classification Sherloc (09022015). Collection method: clinical testing. Allele origin: germline.
Comment: This sequence change replaces arginine, which is basic and polar, with proline, which is neutral and non-polar, at codon 981 of the GRIN2D protein (p.Arg981Pro). The frequency data for this variant in the population databases is considered unreliable, as metrics indicate insufficient coverage at this position in the gnomAD database. This variant has not been reported in the literature in individuals affected with GRIN2D-related conditions. Advanced modeling of protein sequence and biophysical properties (such as structural, functional, and spatial information, amino acid conservation, physicochemical variation, residue mobility, and thermodynamic stability) performed at Invitae indicates that this missense variant is not expected to disrupt GRIN2D protein function with a negative predictive value of 95%. In summary, the available evidence is currently insufficient to determine the role of this variant in disease. Therefore, it has been classified as a Variant of Uncertain Significance.